The following is an entry in ClinVar:

NM_001349338.3(FOXP1):c.1652+6T>C

Gene: FOXP1 (forkhead box P1; minus strand). Cytogenetic location: 3p13.
Variant type: single nucleotide variant.
Coding change: c.1652+6T>C on transcript NM_001349338.3 (MANE Select); 6 bases into the intron after coding-DNA position 1652, T replaced by C.
Molecular consequence: intron variant.
Genome position (GRCh38, 1-based): chr3:70,972,549, A>G on the plus strand (T>C on the coding strand, the complement: FOXP1 is on the minus strand). VCF-style: chr3-70972549-A-G. GRCh37 (hg19) VCF-style: chr3-71021700-A-G.
Other names: c.1531-369T>C (NM_001244810.2); c.1652+6T>C (NM_032682.6, NM_001349340.3, NM_001244816.2 and 1 more transcripts); c.1649+6T>C (NM_001349341.3, NM_001244808.3); c.1424+6T>C (NM_001244812.3); c.1349+6T>C (NM_001349343.3, NM_001349337.2, NM_001370548.1 and 1 more transcripts); c.1352+6T>C (NM_001349342.3, NM_001244815.2, NM_001244813.3).
Identifiers: ClinVar variation 2007594 (VCV002007594.4), dbSNP rs2107195733, ClinGen allele CA2580070411.
Genomic context (GRCh38, chr3:70,972,549, plus strand): 5'-GCCTCTACGTTATACTTGTTAGCACAATCCAAGCTAGGCTAAGAAGTTCAAACATGGTGG[A>G]CGTACCCACTGATCTTTTGTGGCCTTCGTTTTTGGAATTCTACTTCATCCACTGTCCATA-3'

ClinVar aggregate classification (germline): Uncertain significance (1 of 4 stars; one submission).

Allele frequency attached by ClinVar (database versions not stated): gnomAD 0.00001; 1000 Genomes Project 30x 0.00016.
gnomAD v4.1: 1 of 1,614,222 alleles (0.000062%); highest among the groups gnomAD compares: East Asian, 0.0022%; no homozygotes.

Submission:

Labcorp Genetics (formerly Invitae), Labcorp
Classification: Uncertain significance. Last evaluated: 2024-05-15. Review status: criteria provided, single submitter. Criteria: Invitae Variant Classification Sherloc (09022015). Collection method: clinical testing. Allele origin: germline.
Comment: This sequence change falls in intron 18 of the FOXP1 gene. It does not directly change the encoded amino acid sequence of the FOXP1 protein. It affects a nucleotide within the consensus splice site. This variant is not present in population databases (gnomAD no frequency). This variant has not been reported in the literature in individuals affected with FOXP1-related conditions. ClinVar contains an entry for this variant (Variation ID: 2007594). Variants that disrupt the consensus splice site are a relatively common cause of aberrant splicing (PMID: 17576681, 9536098). Algorithms developed to predict the effect of sequence changes on RNA splicing suggest that this variant may disrupt the consensus splice site. In summary, the available evidence is currently insufficient to determine the role of this variant in disease. Therefore, it has been classified as a Variant of Uncertain Significance.

Literature cited by the submitters: PubMed 17576681; PubMed 9536098.